The following is an entry in ClinVar:

ClinVar aggregate classification (germline): Uncertain significance (1 of 4 stars; one submission).

Conditions:
Mitochondrial hypertrophic cardiomyopathy with lactic acidosis due to MTO1 deficiency. Also called: CARDIOMYOPATHY, INFANTILE HYPERTROPHIC MITOCHONDRIAL, AND LACTIC ACIDOSIS; Combined oxidative phosphorylation deficiency 10. Identifiers: Orphanet 314637, MedGen C4749921, MONDO:0013865, OMIM 614702.

Submission:

Labcorp Genetics (formerly Invitae), Labcorp
Classification: Uncertain significance for Mitochondrial hypertrophic cardiomyopathy with lactic acidosis due to MTO1 deficiency. Last evaluated: 2022-07-19. Review status: criteria provided, single submitter. Criteria: Invitae Variant Classification Sherloc (09022015). Collection method: clinical testing. Allele origin: germline.
Comment: In summary, the available evidence is currently insufficient to determine the role of this variant in disease. Therefore, it has been classified as a Variant of Uncertain Significance. Algorithms developed to predict the effect of missense changes on protein structure and function are either unavailable or do not agree on the potential impact of this missense change (SIFT: "Tolerated"; PolyPhen-2: "Possibly Damaging"; Align-GVGD: "Class C0"). ClinVar contains an entry for this variant (Variation ID: 1505042). This variant has not been reported in the literature in individuals affected with MTO1-related conditions. This variant is not present in population databases (gnomAD no frequency). This sequence change replaces leucine, which is neutral and non-polar, with valine, which is neutral and non-polar, at codon 430 of the MTO1 protein (p.Leu430Val).

NM_012123.4(MTO1):c.1288C>G (p.Leu430Val)

Gene: MTO1 (mitochondrial tRNA translation optimization 1; plus strand). Cytogenetic location: 6q13.
Variant type: single nucleotide variant.
Coding change: c.1288C>G on transcript NM_012123.4 (MANE Select); coding-DNA position 1288, C replaced by G.
Protein change: p.Leu430Val; replaces leucine 430 with valine.
Molecular consequence: missense variant.
Genome position (GRCh38, 1-based): chr6:73,482,067, C>G. VCF-style: chr6-73482067-C-G. GRCh37 (hg19) VCF-style: chr6-74191790-C-G.
Other names: c.1408C>G, p.Leu470Val (NM_001123226.2); c.1363C>G, p.Leu455Val (NM_133645.3); short protein forms L430V, L455V, L470V.
Identifiers: ClinVar variation 1505042 (VCV001505042.6), dbSNP rs2150037092, ClinGen allele CA364716929.
Genomic context (GRCh38, chr6:73,482,067, plus strand): 5'-AATGGCCTTTTAAACATTTCAGTGCTCTTGTAGGGTGTGATAGCCGGAATCAACGCCAGT[C>G]TTCGGGTCAGTCGCAAGCCTCCCTTTGTGGTTAGCCGAACAGAAGGTTACATAGGAGTCT-3'
Protein context (NP_036255.2, residues 420-440): QGVIAGINAS[Leu430Val]RVSRKPPFVV